The following is an entry in ClinVar:

ClinVar aggregate classification (germline): Conflicting classifications of pathogenicity. Review status: criteria provided, conflicting classifications (1 of 4 stars). 7 submissions from 6 submitters: Uncertain significance (1); Benign (2); Likely benign (3). 1 of the submissions does not count toward it. Last evaluated 2026-01-28.

Conditions:
Joubert syndrome. Also called: JOUBERT-BOLTSHAUSER SYNDROME; Familial aplasia of the vermis. Identifiers: Orphanet 475, MedGen C5979921, MONDO:0018772.
Meckel-Gruber syndrome. Also called: DYSENCEPHALIA SPLANCHNOCYSTICA; GRUBER SYNDROME; Dysencephalia splachnocystica. Identifiers: Orphanet 564, MedGen C0265215, MONDO:0018921.
Meckel syndrome, type 1 (MKS1). Also called: MECKEL-GRUBER SYNDROME, TYPE 1. Identifiers: Orphanet 564, MedGen C3714506, MONDO:0009571, OMIM 249000.
Bardet-Biedl syndrome 13 (BBS13). Identifiers: Orphanet 110, MedGen C2673873, MONDO:0014441, OMIM 615990.

Allele frequency attached by ClinVar (database versions not stated): gnomAD 0.00004 and 0.00060; ESP Exome Variant Server 0.00008; TOPMed 0.00011; gnomAD exomes 0.00076 and 0.00154; ExAC 0.00164; 1000 Genomes Project 30x 0.00312; 1000 Genomes Project 0.00399.
gnomAD v4.1: 1,209 of 1,613,692 alleles (0.075%); highest among the groups gnomAD compares: South Asian, 1.2%; 20 homozygotes.

Submissions (7):

Labcorp Genetics (formerly Invitae), Labcorp
Classification: Benign for Joubert syndrome; Meckel-Gruber syndrome. Last evaluated: 2026-01-28. Review status: criteria provided, single submitter. Criteria: Invitae Variant Classification Sherloc (09022015). Collection method: clinical testing. Allele origin: germline.

CeGaT Center for Human Genetics Tuebingen
Classification: Benign. Last evaluated: 2025-11-01. Review status: criteria provided, single submitter. Criteria: CeGaT Center For Human Genetics Tuebingen Variant Classification Criteria Version 2. Collection method: clinical testing. Allele origin: germline. Affected: yes. Observed: 3 variant alleles.
Comment: MKS1: BP4, BP7, BS1, BS2

GeneDx
Classification: Likely benign. Last evaluated: 2020-09-22. Review status: criteria provided, single submitter. Criteria: GeneDx Variant Classification Process June 2021. Collection method: clinical testing. Allele origin: germline. Affected: yes.

Illumina Laboratory Services, Illumina
Classification: Uncertain significance for Meckel syndrome, type 1. Last evaluated: 2018-01-13. Review status: criteria provided, single submitter. Criteria: ICSL Variant Classification Criteria 13 December 2019. Collection method: clinical testing. Allele origin: germline.

Illumina Laboratory Services, Illumina
Classification: Likely benign for Bardet-Biedl syndrome 13. Last evaluated: 2018-01-13. Review status: criteria provided, single submitter. Criteria: ICSL Variant Classification Criteria 13 December 2019. Collection method: clinical testing. Allele origin: germline.
Comment: This variant was observed in the ICSL laboratory as part of a predisposition screen in an ostensibly healthy population. It had not been previously curated by ICSL or reported in the Human Gene Mutation Database (HGMD: prior to June 1st, 2018), and was therefore a candidate for classification through an automated scoring system. Utilizing variant allele frequency, disease prevalence and penetrance estimates, and inheritance mode, an automated score was calculated to assess if this variant is too frequent to cause the disease. Based on the score and internal cut-off values, a variant classified as likely benign is not then subjected to further curation. The score for this variant resulted in a classification of likely benign for this disease.

PreventionGenetics, part of Exact Sciences
Classification: Likely benign. Review status: criteria provided, single submitter. Criteria: ACMG Guidelines, 2015. Collection method: clinical testing. Allele origin: germline.

Natera, Inc.
Classification: Benign for Meckel syndrome type 1. Last evaluated: 2020-09-16. Review status: no assertion criteria provided. Collection method: clinical testing. Allele origin: germline. Not counted in ClinVar's aggregate classification.

NM_017777.4(MKS1):c.1014G>A (p.Leu338=)

Gene: MKS1 (MKS transition zone complex subunit 1; minus strand). Cytogenetic location: 17q22.
Variant type: single nucleotide variant.
Coding change: c.1014G>A on transcript NM_017777.4 (MANE Select); coding-DNA position 1014, G replaced by A.
Protein change: p.Leu338=; no amino-acid change (leucine 338 retained).
Molecular consequence: synonymous variant.
Genome position (GRCh38, 1-based): chr17:58,210,669, C>T on the plus strand (G>A on the coding strand, the complement: MKS1 is on the minus strand). VCF-style: chr17-58210669-C-T. GRCh37 (hg19) VCF-style: chr17-56288030-C-T.
Other names: c.405G>A, p.Leu135= (NM_001321268.2); c.1014G>A, p.Leu338= (NM_001321269.2, NM_001330397.2).
Identifiers: ClinVar variation 260878 (VCV000260878.47), dbSNP rs201998680, ClinGen allele CA8669311.